The following is an entry in ClinVar:

NM_001048174.2(MUTYH):c.353T>A (p.Ile118Asn)

Gene: MUTYH (mutY DNA glycosylase; minus strand). Cytogenetic location: 1p34.1.
Variant type: single nucleotide variant.
Coding change: c.353T>A on transcript NM_001048174.2 (MANE Select); coding-DNA position 353, T replaced by A.
Protein change: p.Ile118Asn; replaces isoleucine 118 with asparagine.
Molecular consequence: missense variant. On other transcripts: non-coding transcript variant (6), intron variant (3).
Genome position (GRCh38, 1-based): chr1:45,333,122, A>T on the plus strand (T>A on the coding strand, the complement: MUTYH is on the minus strand). VCF-style: chr1-45333122-A-T. GRCh37 (hg19) VCF-style: chr1-45798794-A-T.
Other names: c.428T>A, p.Ile143Asn (NM_012222.3, NM_001407069.1); c.33+163T>A (NM_001350651.2, NM_001350650.2, NM_001407082.1); c.353T>A, p.Ile118Asn (NM_001048171.2, NM_001048173.2, NM_001293195.2 and 6 more transcripts); c.356T>A, p.Ile119Asn (NM_001048172.2, NM_001407071.1, NM_001407078.1 and 2 more transcripts); c.437T>A, p.Ile146Asn (NM_001128425.2); c.398T>A, p.Ile133Asn (NM_001293190.2); c.386T>A, p.Ile129Asn (NM_001293191.2, NM_001407077.1); c.77T>A, p.Ile26Asn (NM_001293192.2, NM_001293196.2, NM_001407091.1); and 3 more; short protein forms I119N, I143N, I146N, I26N, I133N, I90N, I118N, I125N.
Identifiers: ClinVar variation 4113659 (VCV004113659.1).

ClinVar aggregate classification (germline): Uncertain significance (1 of 4 stars; one submission).

Conditions:
Hereditary cancer-predisposing syndrome. Also called: Hereditary neoplastic syndrome; Neoplastic Syndromes, Hereditary; Tumor predisposition; Hereditary Cancer Syndrome. Identifiers: Orphanet 140162, MedGen C0027672, MeSH D009386, MONDO:0015356.

Submission:

Ambry Genetics
Classification: Uncertain significance for Hereditary cancer-predisposing syndrome. Last evaluated: 2025-08-27. Review status: criteria provided, single submitter. Criteria: Ambry Variant Classification Scheme 2023. Collection method: clinical testing. Allele origin: germline.
Comment: The p.I146N variant (also known as c.437T>A), located in coding exon 5 of the MUTYH gene, results from a T to A substitution at nucleotide position 437. The isoleucine at codon 146 is replaced by asparagine, an amino acid with dissimilar properties. This amino acid position is conserved. In addition, the in silico prediction for this alteration is inconclusive. Based on the available evidence, the clinical significance of this variant remains unclear.